The following is an entry in ClinVar:

NM_001349253.2(SCN11A):c.2207G>C (p.Cys736Ser)

Gene: SCN11A (sodium voltage-gated channel alpha subunit 11; minus strand). Cytogenetic location: 3p22.2.
Variant type: single nucleotide variant.
Coding change: c.2207G>C on transcript NM_001349253.2 (MANE Select); coding-DNA position 2207, G replaced by C.
Protein change: p.Cys736Ser; replaces cysteine 736 with serine.
Molecular consequence: missense variant.
Genome position (GRCh38, 1-based): chr3:38,897,041, C>G on the plus strand (G>C on the coding strand, the complement: SCN11A is on the minus strand). VCF-style: chr3-38897041-C-G. GRCh37 (hg19) VCF-style: chr3-38938532-C-G.
Other names: c.2207G>C, p.Cys736Ser (NM_014139.3); short protein forms C736S.
Identifiers: ClinVar variation 1787704 (VCV001787704.2), dbSNP rs760309563, ClinGen allele CA2322110.

ClinVar aggregate classification (germline): Uncertain significance (1 of 4 stars; one submission).

Conditions:
Inborn genetic diseases. Identifiers: MedGen C0950123, MeSH D030342.

Allele frequency attached by ClinVar (database versions not stated): ExAC 0.00001.
gnomAD v4.1: 1 of 1,614,094 alleles (0.000062%); highest among the groups gnomAD compares: Non-Finnish European, 0.000085%; no homozygotes.

Submission:

Ambry Genetics
Classification: Uncertain significance for Inborn genetic diseases. Last evaluated: 2021-05-21. Review status: criteria provided, single submitter. Criteria: Ambry Variant Classification Scheme 2023. Collection method: clinical testing. Allele origin: germline.
Comment: The p.C736S variant (also known as c.2207G>C), located in coding exon 14 of the SCN11A gene, results from a G to C substitution at nucleotide position 2207. The cysteine at codon 736 is replaced by serine, an amino acid with dissimilar properties. This amino acid position is not well conserved in available vertebrate species, and serine is the reference amino acid in other vertebrate species. In addition, this alteration is predicted to be tolerated by in silico analysis. Since supporting evidence is limited at this time, the clinical significance of this alteration remains unclear.